The following is an entry in ClinVar:

ClinVar aggregate classification (germline): Benign/Likely benign. Review status: criteria provided, multiple submitters, no conflicts (2 of 4 stars). 2 submissions from 2 submitters: Benign (1); Likely benign (1). Last evaluated 2025-11-11.

Conditions:
Lung cancer. Also called: Lung cancer, somatic; Malignant tumor of lung. Identifiers: MedGen C0242379, MONDO:0008903, OMIM 211980.
Hereditary cancer-predisposing syndrome. Also called: Tumor predisposition; Hereditary Cancer Syndrome; Neoplastic Syndromes, Hereditary; Hereditary neoplastic syndrome. Identifiers: Orphanet 140162, MedGen C0027672, MeSH D009386, MONDO:0015356.

Submissions (2):

Ambry Genetics
Classification: Likely benign for Hereditary cancer-predisposing syndrome. Last evaluated: 2025-11-11. Review status: criteria provided, single submitter. Criteria: Ambry Variant Classification Scheme 2023. Collection method: clinical testing. Allele origin: germline.

Myriad Genetics, Inc.
Classification: Benign for Lung cancer. Last evaluated: 2024-10-17. Review status: criteria provided, single submitter. Criteria: Myriad Autosomal Dominant, Autosomal Recessive and X-Linked Classification Criteria (2023). Collection method: clinical testing. Allele origin: unknown.
Comment: This variant is considered benign. This variant is a silent/synonymous amino acid change and it is not expected to impact splicing.

NM_005228.5(EGFR):c.2535G>T (p.Val845=)

Gene: EGFR (epidermal growth factor receptor; plus strand). Cytogenetic location: 7p11.2.
Variant type: single nucleotide variant.
Coding change: c.2535G>T on transcript NM_005228.5 (MANE Select); coding-DNA position 2535, G replaced by T.
Protein change: p.Val845=; no amino-acid change (valine 845 retained).
Molecular consequence: synonymous variant.
Genome position (GRCh38, 1-based): chr7:55,191,784, G>T. VCF-style: chr7-55191784-G-T. GRCh37 (hg19) VCF-style: chr7-55259477-G-T.
Other names: c.2400G>T, p.Val800= (NM_001346897.2, NM_001346899.2); c.2535G>T, p.Val845= (NM_001346898.2); c.2376G>T, p.Val792= (NM_001346900.2); c.1734G>T, p.Val578= (NM_001346941.2).
Identifiers: ClinVar variation 3773412 (VCV003773412.2).